The following is an entry in ClinVar:

ClinVar aggregate classification (germline): Conflicting classifications of pathogenicity. Review status: criteria provided, conflicting classifications (1 of 4 stars). 2 submissions from 2 submitters: Uncertain significance (1); Likely benign (1). Last evaluated 2025-03-18.

Conditions:
Hereditary cancer-predisposing syndrome. Also called: Hereditary Cancer Syndrome; Hereditary neoplastic syndrome; Neoplastic Syndromes, Hereditary; Tumor predisposition. Identifiers: Orphanet 140162, MedGen C0027672, MeSH D009386, MONDO:0015356.

Submissions (2):

Ambry Genetics
Classification: Likely benign for Hereditary cancer-predisposing syndrome. Last evaluated: 2025-03-18. Review status: criteria provided, single submitter. Criteria: Ambry Variant Classification Scheme 2023. Collection method: clinical testing. Allele origin: germline.

GeneDx
Classification: Uncertain significance. Last evaluated: 2023-02-22. Review status: criteria provided, single submitter. Criteria: GeneDx Variant Classification Process June 2021. Collection method: clinical testing. Allele origin: germline. Affected: yes.
Comment: Not observed at significant frequency in large population cohorts (gnomAD); In silico analysis supports that this missense variant does not alter protein structure/function; Has not been previously published as pathogenic or benign to our knowledge; This variant is associated with the following publications: (PMID: 23532176)

NM_000051.4(ATM):c.7135C>A (p.Leu2379Ile)

Genes: ATM (ATM serine/threonine kinase; plus strand), C11orf65 (chromosome 11 open reading frame 65; minus strand). Cytogenetic location: 11q22.3.
Variant type: single nucleotide variant.
Coding change: c.7135C>A on transcript NM_000051.4 (MANE Select); coding-DNA position 7135, C replaced by A.
Protein change: p.Leu2379Ile; replaces leucine 2379 with isoleucine.
Molecular consequence: missense variant. On other transcripts: intron variant (2).
Genome position (GRCh38, 1-based): chr11:108,329,066, C>A. VCF-style: chr11-108329066-C-A. GRCh37 (hg19) VCF-style: chr11-108199793-C-A.
Other names: c.7135C>A, p.Leu2379Ile (NM_001351834.2); c.641-19995G>T (NM_001330368.2); c.*38+6154G>T (NM_001351110.2); short protein forms L2379I.
Identifiers: ClinVar variation 2577748 (VCV002577748.2), dbSNP rs778888033, ClinGen allele CA382559477.